The following is an entry in ClinVar:

ClinVar aggregate classification (germline): Benign/Likely benign. Review status: criteria provided, multiple submitters, no conflicts (2 of 4 stars). 3 submissions from 3 submitters: Benign (1); Likely benign (2). Last evaluated 2024-08-01.

Conditions:
Kabuki syndrome. Also called: NIIKAWA-KUROKI SYNDROME; Kabuki make-up syndrome. Identifiers: Orphanet 2322, MedGen C0796004, MONDO:0016512.

Allele frequency attached by ClinVar (database versions not stated): TOPMed 0.00001; gnomAD 0.00003; gnomAD exomes 0.00003; ExAC 0.00006.
gnomAD v4.1: 46 of 1,613,876 alleles (0.0029%); highest among the groups gnomAD compares: South Asian, 0.046%; 1 homozygote.

Submissions (3):

CeGaT Center for Human Genetics Tuebingen
Classification: Likely benign. Last evaluated: 2024-08-01. Review status: criteria provided, single submitter. Criteria: CeGaT Center For Human Genetics Tuebingen Variant Classification Criteria Version 2. Collection method: clinical testing. Allele origin: germline. Affected: yes. Observed: 1 variant allele.
Comment: KMT2D: BP4, BP7

Labcorp Genetics (formerly Invitae), Labcorp
Classification: Benign for Kabuki syndrome. Last evaluated: 2024-06-15. Review status: criteria provided, single submitter. Criteria: Invitae Variant Classification Sherloc (09022015). Collection method: clinical testing. Allele origin: germline.

Blueprint Genetics
Classification: Likely benign. Last evaluated: 2021-11-19. Review status: criteria provided, single submitter. Criteria: ACMG Guidelines, 2015. Collection method: clinical testing. Allele origin: germline.

NM_003482.4(KMT2D):c.10294T>C (p.Leu3432=)

Gene: KMT2D (lysine methyltransferase 2D; minus strand). Cytogenetic location: 12q13.12.
Variant type: single nucleotide variant.
Coding change: c.10294T>C on transcript NM_003482.4 (MANE Select); coding-DNA position 10294, T replaced by C.
Protein change: p.Leu3432=; no amino-acid change (leucine 3432 retained).
Molecular consequence: synonymous variant.
Genome position (GRCh38, 1-based): chr12:49,034,873, A>G on the plus strand (T>C on the coding strand, the complement: KMT2D is on the minus strand). VCF-style: chr12-49034873-A-G. GRCh37 (hg19) VCF-style: chr12-49428656-A-G.
Identifiers: ClinVar variation 2147831 (VCV002147831.27), dbSNP rs777724362, ClinGen allele CA6546553.